The following is an entry in ClinVar:

NM_001244710.2(GFPT1):c.1339A>G (p.Thr447Ala)

Gene: GFPT1 (glutamine--fructose-6-phosphate transaminase 1; minus strand). Cytogenetic location: 2p13.3.
Variant type: single nucleotide variant.
Coding change: c.1339A>G on transcript NM_001244710.2 (MANE Select); coding-DNA position 1339, A replaced by G.
Protein change: p.Thr447Ala; replaces threonine 447 with alanine.
Molecular consequence: missense variant.
Genome position (GRCh38, 1-based): chr2:69,338,041, T>C on the plus strand (A>G on the coding strand, the complement: GFPT1 is on the minus strand). VCF-style: chr2-69338041-T-C. GRCh37 (hg19) VCF-style: chr2-69565173-T-C.
Other names: c.1285A>G, p.Thr429Ala (NM_002056.4); short protein forms T429A, T447A.
Identifiers: ClinVar variation 944671 (VCV000944671.9), dbSNP rs1287808167, ClinGen allele CA347124387.

ClinVar aggregate classification (germline): Uncertain significance (1 of 4 stars; one submission).

Conditions:
Congenital myasthenic syndrome 12 (CMS12). Also called: MYASTHENIC SYNDROME, CONGENITAL, WITH TUBULAR AGGREGATES 1; Myasthenia, congenital, 12, with tubular aggregates. Identifiers: Orphanet 353327, Orphanet 590, MedGen C3552335, MONDO:0012518, OMIM 610542.

Allele frequency attached by ClinVar (database versions not stated): gnomAD exomes below 0.00001 and 0.00001.
gnomAD v4.1: 5 of 1,614,138 alleles (0.00031%); highest among the groups gnomAD compares: Admixed American, 0.0017%; no homozygotes.

Submission:

Labcorp Genetics (formerly Invitae), Labcorp
Classification: Uncertain significance for Congenital myasthenic syndrome 12. Last evaluated: 2022-07-06. Review status: criteria provided, single submitter. Criteria: Invitae Variant Classification Sherloc (09022015). Collection method: clinical testing. Allele origin: germline.
Comment: In summary, the available evidence is currently insufficient to determine the role of this variant in disease. Therefore, it has been classified as a Variant of Uncertain Significance. Algorithms developed to predict the effect of missense changes on protein structure and function are either unavailable or do not agree on the potential impact of this missense change (SIFT: "Deleterious"; PolyPhen-2: "Possibly Damaging"; Align-GVGD: "Class C0"). This sequence change replaces threonine, which is neutral and polar, with alanine, which is neutral and non-polar, at codon 447 of the GFPT1 protein (p.Thr447Ala). ClinVar contains an entry for this variant (Variation ID: 944671). This variant has not been reported in the literature in individuals affected with GFPT1-related conditions. This variant is present in population databases (no rsID available, gnomAD 0.003%).